The following is an entry in ClinVar:

ClinVar aggregate classification (germline): Uncertain significance (1 of 4 stars; one submission).

Conditions:
Emery-Dreifuss muscular dystrophy 4, autosomal dominant (EDMD4). Also called: EMERY-DREIFUSS MUSCULAR DYSTROPHY 4 WITH VARIABLE FEATURES. Identifiers: Orphanet 261, MedGen C2751807, MONDO:0013071, OMIM 612998.
Autosomal recessive ataxia, Beauce type. Also called: ATAXIA, RECESSIVE, OF BEAUCE; SYNE1 Deficiency; Spinocerebellar ataxia, autosomal recessive 8; SYNE1-Related Autosomal Recessive Cerebellar Ataxia. Identifiers: Orphanet 88644, MedGen C1853116, MONDO:0012549, OMIM 610743.

Allele frequency attached by ClinVar (database versions not stated): 1000 Genomes Project below 0.00001; TOPMed 0.00001; ExAC 0.00002; 1000 Genomes Project 30x 0.00031.
gnomAD v4.1: 32 of 1,613,910 alleles (0.002%); highest among the groups gnomAD compares: South Asian, 0.0066%; no homozygotes.

Submission:

Labcorp Genetics (formerly Invitae), Labcorp
Classification: Uncertain significance for Emery-Dreifuss muscular dystrophy 4, autosomal dominant; Autosomal recessive ataxia, Beauce type. Last evaluated: 2021-09-01. Review status: criteria provided, single submitter. Criteria: Invitae Variant Classification Sherloc (09022015). Collection method: clinical testing. Allele origin: germline.
Comment: This sequence change replaces arginine with cysteine at codon 7682 of the SYNE1 protein (p.Arg7682Cys). The arginine residue is highly conserved and there is a large physicochemical difference between arginine and cysteine. This variant is present in population databases (rs138747167, ExAC 0.009%). This variant has not been reported in the literature in individuals affected with SYNE1-related conditions. Algorithms developed to predict the effect of missense changes on protein structure and function (SIFT, PolyPhen-2, Align-GVGD) all suggest that this variant is likely to be disruptive. In summary, the available evidence is currently insufficient to determine the role of this variant in disease. Therefore, it has been classified as a Variant of Uncertain Significance.

NM_182961.4(SYNE1):c.23257C>T (p.Arg7753Cys)

Gene: SYNE1 (spectrin repeat containing nuclear envelope protein 1; minus strand). Cytogenetic location: 6q25.2.
Variant type: single nucleotide variant.
Coding change: c.23257C>T on transcript NM_182961.4 (MANE Select); coding-DNA position 23257, C replaced by T.
Protein change: p.Arg7753Cys; replaces arginine 7753 with cysteine.
Molecular consequence: missense variant.
Genome position (GRCh38, 1-based): chr6:152,189,296, G>A on the plus strand (C>T on the coding strand, the complement: SYNE1 is on the minus strand). VCF-style: chr6-152189296-G-A. GRCh37 (hg19) VCF-style: chr6-152510431-G-A.
Other names: c.23044C>T, p.Arg7682Cys (NM_033071.5); short protein forms R7682C, R7753C.
Identifiers: ClinVar variation 849584 (VCV000849584.7), dbSNP rs138747167, ClinGen allele CA4053654.